The following is an entry in ClinVar:

NM_000404.4(GLB1):c.75+1G>C

Genes: GLB1 (galactosidase beta 1; minus strand), TMPPE (transmembrane protein with metallophosphoesterase domain; minus strand), LOC129936434 (ATAC-STARR-seq lymphoblastoid silent region 14182; plus strand). Cytogenetic location: 3p22.3.
Variant type: single nucleotide variant.
Coding change: c.75+1G>C on transcript NM_000404.4 (MANE Select); the canonical splice donor site of the intron after coding-DNA position 75, G replaced by C.
Molecular consequence: splice donor variant. On other transcripts: 5 prime UTR variant (2).
Genome position (GRCh38, 1-based): chr3:33,097,010, C>G on the plus strand (G>C on the coding strand, the complement: GLB1 is on the minus strand). VCF-style: chr3-33097010-C-G. GRCh37 (hg19) VCF-style: chr3-33138502-C-G.
Other names: c.-400G>C (NM_001039770.3); c.-296G>C (NM_001136238.2); c.75+1G>C (NM_001393580.1, NM_001135602.3, NM_001317040.2 and 1 more transcripts).
Identifiers: ClinVar variation 92913 (VCV000092913.14), dbSNP rs398123358, ClinGen allele CA200306.

ClinVar aggregate classification (germline): Pathogenic/Likely pathogenic. Review status: criteria provided, multiple submitters, no conflicts (2 of 4 stars). 4 submissions from 4 submitters: Pathogenic (2); Likely pathogenic (2). Last evaluated 2025-10-24.

Conditions:
Inborn genetic diseases. Identifiers: MedGen C0950123, MeSH D030342.
Mucopolysaccharidosis, MPS-IV-B (MPS4B). Also called: Mucopolysaccharidosis Type IVB (Morquio B Disease); Mucopolysaccharidosis type 4B; Mucopolysaccharidosis type IVB (Morquio); MPS IVB; Mucopolysaccharidosis type IV B; MORQUIO SYNDROME B. Identifiers: Orphanet 309310, Orphanet 582, MedGen C0086652, MONDO:0009660, OMIM 253010.
GM1 gangliosidosis. Identifiers: Orphanet 354, MedGen C0085131, MONDO:0018149.

Allele frequency attached by ClinVar (database versions not stated): gnomAD 0.00001; TOPMed below 0.00001; ExAC 0.00003; gnomAD exomes 0.00002.
gnomAD v4.1: 10 of 1,611,576 alleles (0.00062%); highest among the groups gnomAD compares: South Asian, 0.0011%; no homozygotes.

Submissions (4):

Ambry Genetics
Classification: Likely pathogenic for Inborn genetic diseases. Last evaluated: 2025-10-24. Review status: criteria provided, single submitter. Criteria: Ambry Variant Classification Scheme 2023. Collection method: clinical testing. Allele origin: germline.
Comment: The c.75+1G>C intronic variant consists of a G to C substitution one nucleotide(s) before exon 1 (coding exon 1 ) of the GLB1 gene. Alterations that disrupt the canonical splice site are expected to result in aberrant splicing. A resulting transcript is predicted to be in-frame and is not expected to trigger nonsense-mediated mRNAdecay, although direct evidence is unavailable. Based on data from gnomAD, the C allele has an overall frequency of 0.002% (5/243608) total alleles studied. The highest observed frequency was 0.004% (4/109496) of European (non-Finnish) alleles. This nucleotide position is highly conserved in available vertebrate species. In silico splice site analysis predicts that this alteration will weaken the native splice donor site and will result in the creation or strengthening of a novel splice donor site. Based on the available evidence, this alteration is classified as likely pathogenic.

Labcorp Genetics (formerly Invitae), Labcorp
Classification: Likely pathogenic for Mucopolysaccharidosis, MPS-IV-B; GM1 gangliosidosis. Last evaluated: 2025-09-09. Review status: criteria provided, single submitter. Criteria: Invitae Variant Classification Sherloc (09022015). Collection method: clinical testing. Allele origin: germline.
Comment: This sequence change affects a donor splice site in intron 1 of the GLB1 gene. It is expected to disrupt RNA splicing. Variants that disrupt the donor or acceptor splice site typically lead to a loss of protein function (PMID: 16199547), and loss-of-function variants in GLB1 are known to be pathogenic (PMID: 18524657). This variant is present in population databases (rs398123358, gnomAD 0.004%). This variant has not been reported in the literature in individuals affected with GLB1-related conditions. ClinVar contains an entry for this variant (Variation ID: 92913). Algorithms developed to predict the effect of sequence changes on RNA splicing suggest that this variant may disrupt the consensus splice site. In summary, the currently available evidence indicates that the variant is pathogenic, but additional data are needed to prove that conclusively. Therefore, this variant has been classified as Likely Pathogenic.

Natera, Inc.
Classification: Pathogenic for Mucopolysaccharidosis, MPS-IV-B. Last evaluated: 2024-11-25. Review status: criteria provided, single submitter. Criteria: Natera Variant Classification Schema (03/2026). Collection method: clinical testing. Allele origin: germline.
Comment: The c.75+1G>C variant in GLB1 is a canonical splice donor site variant predicted to affect pre-mRNA splicing, which may result in an abnormal transcript and altered protein product. This variant is expected to result in nonsense mediated decay, truncation, or a dysfunctional protein product. This variant is rare in the general population with a frequency below the threshold expected for the associated phenotype(s). This variant has been observed in one or more individuals affected with the associated recessive disease, as either homozygous or compound heterozygous with a second variant (PMID: 38313286). Given the available evidence, this variant is classified as Pathogenic.

Eurofins Ntd Llc (ga)
Classification: Pathogenic. Last evaluated: 2012-08-24. Review status: criteria provided, single submitter. Criteria: EGL Classification Definitions. Collection method: clinical testing. Allele origin: germline. Observed: 1 variant allele, 1 heterozygote.

Literature cited by the submitters: PubMed 16199547 (cited by Labcorp Genetics (formerly Invitae), Labcorp); PubMed 18524657 (cited by Labcorp Genetics (formerly Invitae), Labcorp); PubMed 38313286 (cited by Natera, Inc.).